The following is an entry in ClinVar:

NM_007317.3(KIF22):c.1975G>C (p.Gly659Arg)

Gene: KIF22 (kinesin family member 22; plus strand). Cytogenetic location: 16p11.2.
Variant type: single nucleotide variant.
Coding change: c.1975G>C on transcript NM_007317.3 (MANE Select); coding-DNA position 1975, G replaced by C.
Protein change: p.Gly659Arg; replaces glycine 659 with arginine.
Molecular consequence: missense variant.
Genome position (GRCh38, 1-based): chr16:29,805,287, G>C. VCF-style: chr16-29805287-G-C. GRCh37 (hg19) VCF-style: chr16-29816608-G-C.
Other names: c.1771G>C, p.Gly591Arg (NM_001256269.2, NM_001256270.1); c.1975G>C (NM_007317.1); short protein forms G591R, G659R.
Identifiers: ClinVar variation 1023112 (VCV001023112.10), dbSNP rs774254625, ClinGen allele CA7993561.

ClinVar aggregate classification (germline): Uncertain significance. Review status: criteria provided, multiple submitters, no conflicts (2 of 4 stars). 2 submissions from 2 submitters: Uncertain significance (2). Last evaluated 2024-12-11.

Allele frequency attached by ClinVar (database versions not stated): gnomAD exomes below 0.00001; ExAC 0.00001.
gnomAD v4.1: 8 of 1,613,776 alleles (0.0005%); highest among the groups gnomAD compares: Admixed American, 0.0033%; no homozygotes.

Submissions (2):

Ambry Genetics
Classification: Uncertain significance. Last evaluated: 2024-12-11. Review status: criteria provided, single submitter. Criteria: Ambry Variant Classification Scheme 2023. Collection method: clinical testing. Allele origin: germline.

Labcorp Genetics (formerly Invitae), Labcorp
Classification: Uncertain significance. Last evaluated: 2020-02-20. Review status: criteria provided, single submitter. Criteria: Invitae Variant Classification Sherloc (09022015). Collection method: clinical testing. Allele origin: germline.
Comment: This variant has not been reported in the literature in individuals with KIF22-related conditions. The frequency data for this variant in the population databases is considered unreliable, as metrics indicate poor data quality at this position in the ExAC database. This sequence change replaces glycine with arginine at codon 659 of the KIF22 protein (p.Gly659Arg). The glycine residue is moderately conserved and there is a moderate physicochemical difference between glycine and arginine. Algorithms developed to predict the effect of missense changes on protein structure and function are either unavailable or do not agree on the potential impact of this missense change (SIFT: "Tolerated"; PolyPhen-2: "Possibly Damaging"; Align-GVGD: "Class C0"). In summary, the available evidence is currently insufficient to determine the role of this variant in disease. Therefore, it has been classified as a Variant of Uncertain Significance.